The following is an entry in ClinVar:

NM_000238.4(KCNH2):c.2607G>A (p.Pro869=)

Gene: KCNH2 (potassium voltage-gated channel subfamily H member 2; minus strand). Cytogenetic location: 7q36.1.
Variant type: single nucleotide variant.
Coding change: c.2607G>A on transcript NM_000238.4 (MANE Select); coding-DNA position 2607, G replaced by A.
Protein change: p.Pro869=; no amino-acid change (proline 869 retained).
Molecular consequence: synonymous variant. On other transcripts: non-coding transcript variant (2).
Genome position (GRCh38, 1-based): chr7:150,948,529, C>T on the plus strand (G>A on the coding strand, the complement: KCNH2 is on the minus strand). VCF-style: chr7-150948529-C-T. GRCh37 (hg19) VCF-style: chr7-150645617-C-T.
Other names: p.P869P:CCG>CCA; p.Pro869=; c.2319G>A, p.Pro773= (NM_001406753.1); c.1587G>A, p.Pro529= (NM_172057.3).
Identifiers: ClinVar variation 200247 (VCV000200247.18), dbSNP rs199828796, ClinGen allele CA007033.

ClinVar aggregate classification (germline): Benign/Likely benign. Review status: criteria provided, multiple submitters, no conflicts (2 of 4 stars). 6 submissions from 6 submitters: Benign (1); Likely benign (5). Last evaluated 2025-11-09.

Conditions:
Cardiac arrhythmia. Also called: Arrhythmia; Cardiac rhythm disease. Identifiers: MedGen C0003811, MONDO:0007263, HP:0011675.
Cardiovascular phenotype. Identifiers: MedGen CN230736.
Long QT syndrome (LQTS). Identifiers: MedGen C0023976, MeSH D008133, MONDO:0002442. Disease mechanism: loss of function. Inheritance: Various modes of inheritance.

Allele frequency attached by ClinVar (database versions not stated): gnomAD exomes 0.00002; TOPMed 0.00002; ESP Exome Variant Server 0.00008; 1000 Genomes Project 30x 0.00016; 1000 Genomes Project 0.00020; gnomAD 0.00003; ExAC 0.00002.
gnomAD v4.1: 37 of 1,613,712 alleles (0.0023%); highest among the groups gnomAD compares: Non-Finnish European, 0.0028%; no homozygotes.

Submissions (6):

Labcorp Genetics (formerly Invitae), Labcorp
Classification: Likely benign for Long QT syndrome. Last evaluated: 2025-11-09. Review status: criteria provided, single submitter. Criteria: Invitae Variant Classification Sherloc (09022015). Collection method: clinical testing. Allele origin: germline.

Mayo Clinic Laboratories, Mayo Clinic
Classification: Likely benign. Last evaluated: 2025-04-01. Review status: criteria provided, single submitter. Criteria: ACMG Guidelines, 2015. Collection method: clinical testing. Allele origin: germline. Observed: 1 variant allele.
Comment: BP4, BP7

All of Us Research Program, National Institutes of Health
Classification: Likely benign for Long QT syndrome. Last evaluated: 2023-12-01. Review status: criteria provided, single submitter. Criteria: ACMG Guidelines, 2015. Collection method: clinical testing. Allele origin: germline. Inheritance: Autosomal dominant inheritance. Observed: 10 variant alleles, 10 heterozygotes.
Comment: This study involves interpretation of variants in research participants for the purpose of population health screening. Participant phenotype was not available at the time of variant classification. Additional details can be found in publication PMID: 35346344, PMCID: PMC8962531

Ambry Genetics
Classification: Likely benign for Cardiovascular phenotype. Last evaluated: 2022-08-27. Review status: criteria provided, single submitter. Criteria: Ambry Variant Classification Scheme 2023. Collection method: clinical testing. Allele origin: germline.

Color Diagnostics, LLC DBA Color Health
Classification: Likely benign for Arrhythmia. Last evaluated: 2019-01-31. Review status: criteria provided, single submitter. Criteria: ACMG Guidelines, 2015. Collection method: clinical testing. Allele origin: germline.

GeneDx
Classification: Benign. Last evaluated: 2014-10-01. Review status: criteria provided, single submitter. Criteria: GeneDx Variant Classification (06012015). Collection method: clinical testing. Allele origin: germline. Affected: yes.
Comment: This variant is considered likely benign or benign based on one or more of the following criteria: it is a conservative change, it occurs at a poorly conserved position in the protein, it is predicted to be benign by multiple in silico algorithms, and/or has population frequency not consistent with disease.